The following is an entry in ClinVar:

ClinVar aggregate classification (germline): Likely pathogenic (1 of 4 stars; one submission).

Conditions:
Glycogen storage disease, type II (IOPD). Also called: CARDIOMEGALIA GLYCOGENICA DIFFUSA; GLYCOGENOSIS, GENERALIZED, CARDIAC FORM; GSD II; POMPE DISEASE, INFANTILE-ONSET; GLYCOGEN STORAGE DISEASE II, INFANTILE-ONSET; ACID ALPHA-GLUCOSIDASE DEFICIENCY, INFANTILE-ONSET. Identifiers: Orphanet 365, MedGen C0017921, MONDO:0009290, OMIM 232300.

Submission:

Labcorp Genetics (formerly Invitae), Labcorp
Classification: Likely pathogenic for Glycogen storage disease, type II. Last evaluated: 2017-12-11. Review status: criteria provided, single submitter. Criteria: Invitae Variant Classification Sherloc (09022015). Collection method: clinical testing. Allele origin: germline.
Comment: This variant is an in-frame deletion of the genomic region encompassing exons 4-15 of the GAA gene. It preserves the integrity of the reading frame. This variant has not been reported in the literature in individuals with GAA-related disease. Several sequence variants in exons 4-15 have been determined to be pathogenic (PMID: 11738358, 18429042, 9535769, 17723315, 10338092, 21039225, 17723315). This suggests that these exons are critical for GAA protein function and that loss of these exons may also be pathogenic. In summary, the currently available evidence indicates that the variant is pathogenic, but additional data are needed to prove that conclusively. Therefore, this variant has been classified as Likely Pathogenic.

Literature cited by the submitters: PubMed 18429042; PubMed 17723315; PubMed 10338092; PubMed 21039225; PubMed 11738358; PubMed 9535769.

NC_000017.11:g.(?_80107537)_(80113386_?)del

Gene: GAA (alpha glucosidase; plus strand). Cytogenetic location: 17q25.3.
Variant type: Deletion.
Identifiers: ClinVar variation 526557 (VCV000526557.1).